The following is an entry in ClinVar:

ClinVar aggregate classification (germline): Benign/Likely benign. Review status: criteria provided, multiple submitters, no conflicts (2 of 4 stars). 6 submissions from 6 submitters: Benign (4); Likely benign (2). Last evaluated 2026-01-18.

Allele frequency attached by ClinVar (database versions not stated): gnomAD exomes 0.00042 and 0.00100; ExAC 0.00179; ESP Exome Variant Server 0.00377; 1000 Genomes Project 0.00419; 1000 Genomes Project 30x 0.00422; gnomAD 0.00433 and 0.00468; TOPMed 0.00511.
gnomAD v4.1: 1,257 of 1,543,244 alleles (0.081%); highest among the groups gnomAD compares: African/African-American, 1.5%; 10 homozygotes.

Submissions (6):

Labcorp Genetics (formerly Invitae), Labcorp
Classification: Benign. Last evaluated: 2026-01-18. Review status: criteria provided, single submitter. Criteria: Invitae Variant Classification Sherloc (09022015). Collection method: clinical testing. Allele origin: germline.

CeGaT Center for Human Genetics Tuebingen
Classification: Likely benign. Last evaluated: 2025-12-01. Review status: criteria provided, single submitter. Criteria: CeGaT Center For Human Genetics Tuebingen Variant Classification Criteria Version 2. Collection method: clinical testing. Allele origin: germline. Affected: yes. Observed: 1 variant allele.
Comment: HSPG2: BP4, BP7, BS1

Athena Diagnostics
Classification: Benign. Last evaluated: 2025-08-20. Review status: criteria provided, single submitter. Criteria: Athena Diagnostics Criteria. Collection method: clinical testing. Allele origin: unknown.
Comment: The frequency of this variant in the general population is higher than would generally be expected for pathogenic variants in this gene.

ARUP Laboratories, Molecular Genetics and Genomics, ARUP Laboratories
Classification: Benign. Last evaluated: 2025-04-10. Review status: criteria provided, single submitter. Criteria: ARUP Molecular Germline Variant Investigation Process 2024. Collection method: clinical testing. Allele origin: germline.

Blueprint Genetics
Classification: Likely benign. Last evaluated: 2024-11-13. Review status: criteria provided, single submitter. Criteria: ACMG Guidelines, 2015. Collection method: clinical testing. Allele origin: germline.

GeneDx
Classification: Benign. Last evaluated: 2019-09-05. Review status: criteria provided, single submitter. Criteria: GeneDx Variant Classification Process June 2021. Collection method: clinical testing. Allele origin: germline. Affected: yes.

NM_005529.7(HSPG2):c.12012C>T (p.Ser4004=)

Gene: HSPG2 (heparan sulfate proteoglycan 2; minus strand). Cytogenetic location: 1p36.12.
Variant type: single nucleotide variant.
Coding change: c.12012C>T on transcript NM_005529.7 (MANE Select); coding-DNA position 12012, C replaced by T.
Protein change: p.Ser4004=; no amino-acid change (serine 4004 retained).
Molecular consequence: synonymous variant.
Genome position (GRCh38, 1-based): chr1:21,829,060, G>A on the plus strand (C>T on the coding strand, the complement: HSPG2 is on the minus strand). VCF-style: chr1-21829060-G-A. GRCh37 (hg19) VCF-style: chr1-22155553-G-A.
Other names: c.12015C>T, p.Ser4005= (NM_001291860.2).
Identifiers: ClinVar variation 727761 (VCV000727761.33), dbSNP rs16825967, ClinGen allele CA669542.
Genomic context (GRCh38, chr1:21,829,060, plus strand): 5'-GTCCTTGTTGAGACGCTCTGCAGACACACGGTGCCAGCGGCCCAGGGCCAGCGGCTCGGC[G>A]CTCCGCAGAACGGCCAGCCCTGGGGAGGATGCCAGGCAGGGTTGGGCACATGGGGGCACA-3'
Protein context (NP_005520.4, residues 3994-4014): ELGSGLAVLR[Ser4004=]AEPLALGRWH